The following is an entry in ClinVar:

ClinVar aggregate classification (germline): Likely benign. Review status: criteria provided, multiple submitters, no conflicts (2 of 4 stars). 3 submissions from 3 submitters: Likely benign (2). 1 of the submissions does not count toward it. Last evaluated 2026-01-16.

Conditions:
Joubert syndrome. Also called: JOUBERT-BOLTSHAUSER SYNDROME; Familial aplasia of the vermis. Identifiers: Orphanet 475, MedGen C5979921, MONDO:0018772.
Meckel-Gruber syndrome. Also called: DYSENCEPHALIA SPLANCHNOCYSTICA; GRUBER SYNDROME; Dysencephalia splachnocystica. Identifiers: Orphanet 564, MedGen C0265215, MONDO:0018921.
CC2D2A-related disorder. Also called: CC2D2A-related disorders; CC2D2A-related condition. Identifiers: MedGen CN239313.

Allele frequency attached by ClinVar (database versions not stated): ExAC 0.00001; gnomAD 0.00001; gnomAD exomes 0.00001; TOPMed 0.00001.
gnomAD v4.1: 8 of 1,607,594 alleles (0.0005%); highest among the groups gnomAD compares: Middle Eastern, 0.033%; no homozygotes.

Submissions (3):

Labcorp Genetics (formerly Invitae), Labcorp
Classification: Likely benign for Joubert syndrome; Meckel-Gruber syndrome. Last evaluated: 2026-01-16. Review status: criteria provided, single submitter. Criteria: Invitae Variant Classification Sherloc (09022015). Collection method: clinical testing. Allele origin: germline.

Mayo Clinic Laboratories, Mayo Clinic
Classification: Likely benign. Last evaluated: 2025-11-01. Review status: criteria provided, single submitter. Criteria: ACMG Guidelines, 2015. Collection method: clinical testing. Allele origin: germline. Observed: 1 variant allele.
Comment: BP4, BP7

PreventionGenetics, part of Exact Sciences
Classification: Likely benign for CC2D2A-related condition. Last evaluated: 2021-03-19. Review status: no assertion criteria provided. Collection method: clinical testing. Allele origin: germline. Not counted in ClinVar's aggregate classification.
Comment: This variant is classified as likely benign based on ACMG/AMP sequence variant interpretation guidelines (Richards et al. 2015 PMID: 25741868, with internal and published modifications).

NM_001378615.1(CC2D2A):c.1797A>G (p.Ala599=)

Genes: CC2D2A (coiled-coil and C2 domain containing 2A; plus strand), FBXL5 (F-box and leucine rich repeat protein 5; minus strand). Cytogenetic location: 4p15.32.
Variant type: single nucleotide variant.
Coding change: c.1797A>G on transcript NM_001378615.1 (MANE Select); coding-DNA position 1797, A replaced by G.
Protein change: p.Ala599=; no amino-acid change (alanine 599 retained).
Molecular consequence: synonymous variant.
Genome position (GRCh38, 1-based): chr4:15,537,931, A>G. VCF-style: chr4-15537931-A-G. GRCh37 (hg19) VCF-style: chr4-15539554-A-G.
Other names: p.Ala599=; c.1797A>G, p.Ala599= (NM_001080522.2); c.1650A>G, p.Ala550= (NM_001378617.1).
Identifiers: ClinVar variation 2163402 (VCV002163402.7), dbSNP rs750037478, ClinGen allele CA2863767.